The following is an entry in ClinVar:

NM_003900.5(SQSTM1):c.3G>C (p.Met1Ile)

Gene: SQSTM1 (sequestosome 1; plus strand). Cytogenetic location: 5q35.3.
Variant type: single nucleotide variant.
Coding change: c.3G>C on transcript NM_003900.5 (MANE Select); coding-DNA position 3, G replaced by C.
Protein change: p.Met1Ile; changes the start codon (methionine 1).
Molecular consequence: missense variant, initiator codon variant. On other transcripts: intron variant (2).
Genome position (GRCh38, 1-based): chr5:179,820,939, G>C. VCF-style: chr5-179820939-G-C. GRCh37 (hg19) VCF-style: chr5-179247939-G-C.
Other names: c.-47-2019G>C (NM_001142298.2, NM_001142299.2); short protein forms M1I.
Identifiers: ClinVar variation 2099586 (VCV002099586.7), dbSNP rs1309887153, ClinGen allele CA362441992.
Genomic context (GRCh38, chr5:179,820,939, plus strand): 5'-AAAGCCGCGCGGCGGCTGCGACCGGGACGGCCCGTTTTCCGCCAGCTCGCCGCTCGCTAT[G>C]GCGTCGCTCACCGTGAAGGCCTACCTTCTGGGCAAGGAGGACGCGGCGCGCGAGATTCGC-3'
Protein context (NP_003891.1, residues 1-11): [Met1Ile]ASLTVKAYLL

ClinVar aggregate classification (germline): Uncertain significance. Review status: criteria provided, multiple submitters, no conflicts (2 of 4 stars). 2 submissions from 2 submitters: Uncertain significance (2). Last evaluated 2025-05-28.

Conditions:
Paget disease of bone 2, early-onset (PDB2). Also called: Paget disease of bone 2. Identifiers: MedGen C4085251, MONDO:0011183, OMIM 602080.
Frontotemporal dementia and/or amyotrophic lateral sclerosis 1 (FTDALS1). Also called: Frontotemporal dementia with motor neuron disease 1; C9orf72 Frontotemporal Dementia and/or Amyotrophic Lateral Sclerosis. Identifiers: Orphanet 275872, MedGen C5779877, MONDO:0007105, OMIM 105550.

Submissions (2):

Dasa
Classification: Uncertain significance. Last evaluated: 2025-05-28. Review status: criteria provided, single submitter. Criteria: DASA Assertion Criteria. Collection method: clinical testing. Allele origin: germline.
Comment: NM_003900.5(SQSTM1):c.3G>C (p.Met1?) is a start-loss variant predicted to alter the translation initiation codon and impair normal protein translation. This variant is absent from population databases. The currently available literature and clinical evidence are not sufficient to establish a definitive association between this variant and the reported condition. Therefore, this variant is classified as a variant of uncertain significance.

Labcorp Genetics (formerly Invitae), Labcorp
Classification: Uncertain significance for Paget disease of bone 2, early-onset; Frontotemporal dementia and/or amyotrophic lateral sclerosis 1. Last evaluated: 2022-02-19. Review status: criteria provided, single submitter. Criteria: Invitae Variant Classification Sherloc (09022015). Collection method: clinical testing. Allele origin: germline.
Comment: Disruption of the initiator codon has been observed in individual(s) with clinical features of autosomal recessive SQSTM1-related conditions (PMID: 27545679). In summary, the available evidence is currently insufficient to determine the role of this variant in disease. Therefore, it has been classified as a Variant of Uncertain Significance. Experimental studies and prediction algorithms are not available or were not evaluated, and the functional significance of this variant is currently unknown. This variant is not present in population databases (gnomAD no frequency). This sequence change affects the initiator methionine of the SQSTM1 mRNA. The next in-frame methionine is located at codon 85.

Literature cited by the submitters: PubMed 27545679 (cited by Labcorp Genetics (formerly Invitae), Labcorp).